The following is an entry in ClinVar:

ClinVar aggregate classification (germline): Uncertain significance (1 of 4 stars; one submission).

Conditions:
Congenital adrenal hyperplasia due to cytochrome P450 oxidoreductase deficiency. Also called: DISORDERED STEROIDOGENESIS DUE TO POR DEFICIENCY. Identifiers: Orphanet 95699, MedGen C1860042, MONDO:0013310, OMIM 613571.

Submission:

Labcorp Genetics (formerly Invitae), Labcorp
Classification: Uncertain significance for Congenital adrenal hyperplasia due to cytochrome P450 oxidoreductase deficiency. Last evaluated: 2022-01-27. Review status: criteria provided, single submitter. Criteria: Invitae Variant Classification Sherloc (09022015). Collection method: clinical testing. Allele origin: germline.
Comment: This variant, c.1596_1598del, results in the deletion of 1 amino acid(s) of the POR protein (p.Ile532del), but otherwise preserves the integrity of the reading frame. This variant is not present in population databases (gnomAD no frequency). This variant has not been reported in the literature in individuals affected with POR-related conditions. Experimental studies and prediction algorithms are not available or were not evaluated, and the functional significance of this variant is currently unknown. In summary, the available evidence is currently insufficient to determine the role of this variant in disease. Therefore, it has been classified as a Variant of Uncertain Significance.

NM_001395413.1(POR):c.1584CAT[1] (p.Ile529del)

Gene: POR (cytochrome p450 oxidoreductase; plus strand). Cytogenetic location: 7q11.23.
Variant type: Microsatellite.
Coding change: c.1584CAT[1] on transcript NM_001395413.1 (MANE Select); one copy of the 3-base unit CAT starting at c.1584; the reference has two copies in a row; one copy, 3 bases deleted.
Protein change: p.Ile529del; deletes isoleucine 529.
Molecular consequence: inframe deletion. On other transcripts: inframe indel (2).
Genome position (GRCh38, 1-based): chr7:75,985,776-75,985,778, CAT deleted; deleting any 3 consecutive bases within chr7:75,985,772-75,985,778 gives the same sequence; the position shown is the placement nearest the transcript's 3' end. VCF-style (leftmost placement, unchanged base first): chr7-75985771-GTCA-G. GRCh37 (hg19) VCF-style: chr7-75615089-GTCA-G.
Other names: c.1593_1595CAT[1], p.Ile532del (NM_000941.2, NM_000941.3); c.1584CAT[1], p.Ile529del (NM_001367562.3, NM_001382657.2, NM_001382658.3 and 1 more transcripts); c.1638CAT[1], p.Ile547del (NM_001382655.3); c.1434CAT[1], p.Ile479del (NM_001382662.3); short protein forms I529del, I547del, I479del, I532del.
Identifiers: ClinVar variation 2090248 (VCV002090248.1), dbSNP rs1481436416, ClinGen allele CA842283279.
Genomic context (GRCh38, chr7:75,985,771, plus strand): 5'-CTGGTGCCCATGTTCGTGCGCAAGTCCCAGTTCCGCCTGCCCTTCAAGGCCACCACGCCT[GTCA>G]TCATGGTGGGCCCCGGCACCGGGGTGGCACCCTTCATAGGCTTCATCCAGGAGCGGGCCT-3'